The following is an entry in ClinVar:

NM_015910.7(WDPCP):c.2230G>A (p.Gly744Ser)

Gene: WDPCP (WD repeat containing planar cell polarity effector; minus strand). Cytogenetic location: 2p15.
Variant type: single nucleotide variant.
Coding change: c.2230G>A on transcript NM_015910.7 (MANE Select); coding-DNA position 2230, G replaced by A.
Protein change: p.Gly744Ser; replaces glycine 744 with serine.
Molecular consequence: missense variant. On other transcripts: non-coding transcript variant (3).
Genome position (GRCh38, 1-based): chr2:63,122,017, C>T on the plus strand (G>A on the coding strand, the complement: WDPCP is on the minus strand). VCF-style: chr2-63122017-C-T. GRCh37 (hg19) VCF-style: chr2-63349152-C-T.
Other names: c.1753G>A, p.Gly585Ser (NM_001042692.3); c.2158G>A, p.Gly720Ser (NM_001354044.2); short protein forms G585S, G720S, G744S.
Identifiers: ClinVar variation 970696 (VCV000970696.9), dbSNP rs1669575177, ClinGen allele CA347056561.

ClinVar aggregate classification (germline): Uncertain significance (1 of 4 stars; one submission).

Conditions:
Bardet-Biedl syndrome (BBS). Identifiers: Orphanet 110, MedGen C0752166, MONDO:0015229.

gnomAD v4.1: 2 of 1,613,226 alleles (0.00012%); highest among the groups gnomAD compares: South Asian, 0.0022%; no homozygotes.

Submission:

Labcorp Genetics (formerly Invitae), Labcorp
Classification: Uncertain significance for Bardet-Biedl syndrome. Last evaluated: 2019-10-31. Review status: criteria provided, single submitter. Criteria: Invitae Variant Classification Sherloc (09022015). Collection method: clinical testing. Allele origin: germline.
Comment: This variant has not been reported in the literature in individuals with WDPCP-related conditions. This sequence change replaces glycine with serine at codon 744 of the WDPCP protein (p.Gly744Ser). The glycine residue is highly conserved and there is a small physicochemical difference between glycine and serine. This variant is not present in population databases (ExAC no frequency). Algorithms developed to predict the effect of missense changes on protein structure and function output the following: SIFT: "Deleterious"; PolyPhen-2: "Benign"; Align-GVGD: "Class C0". The serine amino acid residue is found in multiple mammalian species, suggesting that this missense change does not adversely affect protein function. These predictions have not been confirmed by published functional studies and their clinical significance is uncertain. Algorithms developed to predict the effect of sequence changes on RNA splicing suggest that this variant may create or strengthen a splice site, but this prediction has not been confirmed by published transcriptional studies. In summary, the available evidence is currently insufficient to determine the role of this variant in disease. Therefore, it has been classified as a Variant of Uncertain Significance.